The following is an entry in ClinVar:

NM_001278689.2(EOGT):c.831+1G>A

Gene: EOGT (EGF domain specific O-linked N-acetylglucosamine transferase; minus strand). Cytogenetic location: 3p14.1.
Variant type: single nucleotide variant.
Coding change: c.831+1G>A on transcript NM_001278689.2 (MANE Select); the canonical splice donor site of the intron after coding-DNA position 831, G replaced by A.
Molecular consequence: splice donor variant.
Genome position (GRCh38, 1-based): chr3:68,998,010, C>T on the plus strand (G>A on the coding strand, the complement: EOGT is on the minus strand). VCF-style: chr3-68998010-C-T. GRCh37 (hg19) VCF-style: chr3-69047161-C-T.
Other names: c.831+1G>A (NM_173654.3).
Identifiers: ClinVar variation 2741011 (VCV002741011.3), dbSNP rs746076695, ClinGen allele CA2486780.

ClinVar aggregate classification (germline): Likely pathogenic (1 of 4 stars; one submission).

Conditions:
Adams-Oliver syndrome 4 (AOS4). Identifiers: Orphanet 974, MedGen C3809092, MONDO:0014124, OMIM 615297.

Allele frequency attached by ClinVar (database versions not stated): gnomAD exomes below 0.00001; ExAC 0.00002.
gnomAD v4.1: 4 of 1,503,028 alleles (0.00027%); highest among the groups gnomAD compares: East Asian, 0.0047%; no homozygotes.

Submission:

Labcorp Genetics (formerly Invitae), Labcorp
Classification: Likely pathogenic for Adams-Oliver syndrome 4. Last evaluated: 2025-02-10. Review status: criteria provided, single submitter. Criteria: Invitae Variant Classification Sherloc (09022015). Collection method: clinical testing. Allele origin: germline.
Comment: This sequence change affects a donor splice site in intron 10 of the EOGT gene. It is expected to disrupt RNA splicing. Variants that disrupt the donor or acceptor splice site typically lead to a loss of protein function (PMID: 16199547), and loss-of-function variants in EOGT are known to be pathogenic (PMID: 23522784, 23860037). This variant is present in population databases (rs746076695, gnomAD 0.01%). This variant has not been reported in the literature in individuals affected with EOGT-related conditions. ClinVar contains an entry for this variant (Variation ID: 2741011). Algorithms developed to predict the effect of sequence changes on RNA splicing suggest that this variant may disrupt the consensus splice site. In summary, the currently available evidence indicates that the variant is pathogenic, but additional data are needed to prove that conclusively. Therefore, this variant has been classified as Likely Pathogenic.

Literature cited by the submitters: PubMed 16199547; PubMed 23522784; PubMed 23860037.